The following is an entry in ClinVar:

NM_020921.4(NIN):c.4934A>G (p.Glu1645Gly)

Gene: NIN (ninein; minus strand). Cytogenetic location: 14q22.1.
Variant type: single nucleotide variant.
Coding change: c.4934A>G on transcript NM_020921.4 (MANE Select); coding-DNA position 4934, A replaced by G.
Protein change: p.Glu1645Gly; replaces glutamic acid 1645 with glycine.
Molecular consequence: missense variant.
Genome position (GRCh38, 1-based): chr14:50,752,534, T>C on the plus strand (A>G on the coding strand, the complement: NIN is on the minus strand). VCF-style: chr14-50752534-T-C. GRCh37 (hg19) VCF-style: chr14-51219252-T-C.
Other names: c.2795A>G, p.Glu932Gly (NM_016350.5); c.4934A>G, p.Glu1645Gly (NM_182944.3, NM_182946.2); short protein forms E1645G, E932G.
Identifiers: ClinVar variation 2063387 (VCV002063387.4), dbSNP rs763415712, ClinGen allele CA7181463.

ClinVar aggregate classification (germline): Uncertain significance (1 of 4 stars; one submission).

Allele frequency attached by ClinVar (database versions not stated): gnomAD exomes 0.00001; TOPMed 0.00002; ExAC 0.00006.
gnomAD v4.1: 15 of 1,613,756 alleles (0.00093%); highest among the groups gnomAD compares: Admixed American, 0.023%; no homozygotes.

Submission:

Labcorp Genetics (formerly Invitae), Labcorp
Classification: Uncertain significance. Last evaluated: 2025-10-01. Review status: criteria provided, single submitter. Criteria: Invitae Variant Classification Sherloc (09022015). Collection method: clinical testing. Allele origin: germline.
Comment: This sequence change replaces glutamic acid, which is acidic and polar, with glycine, which is neutral and non-polar, at codon 1645 of the NIN protein (p.Glu1645Gly). This variant is present in population databases (rs763415712, gnomAD 0.04%). This variant has not been reported in the literature in individuals affected with NIN-related conditions. ClinVar contains an entry for this variant (Variation ID: 2063387). An algorithm developed to predict the effect of missense changes on protein structure and function (PolyPhen-2) suggests that this variant is likely to be tolerated. In summary, the available evidence is currently insufficient to determine the role of this variant in disease. Therefore, it has been classified as a Variant of Uncertain Significance.